The following is an entry in ClinVar:

NC_000002.11:g.(?_179402448)_(179404297_?)del

Gene: TTN (titin; minus strand). Cytogenetic location: 2q31.2.
Variant type: Deletion.
Identifiers: ClinVar variation 3247309 (VCV003247309.1).

ClinVar aggregate classification (germline): Likely pathogenic (1 of 4 stars; one submission).

Conditions:
Autosomal recessive limb-girdle muscular dystrophy type 2J (LGMDR10). Also called: Limb-girdle muscular dystrophy, type 2J; MUSCULAR DYSTROPHY, LIMB-GIRDLE, AUTOSOMAL RECESSIVE 10. Identifiers: Orphanet 140922, MedGen C1837342, MONDO:0012127, OMIM 608807.
Dilated cardiomyopathy 1G (CMD1G). Identifiers: Orphanet 154, MedGen C1858763, MONDO:0011400, OMIM 604145.

Submission:

Labcorp Genetics (formerly Invitae), Labcorp
Classification: Likely pathogenic for Dilated cardiomyopathy 1G; Autosomal recessive limb-girdle muscular dystrophy type 2J. Last evaluated: 2023-06-29. Review status: criteria provided, single submitter. Criteria: Invitae Variant Classification Sherloc (09022015). Collection method: clinical testing. Allele origin: unknown.
Comment: This variant is located in the A band of TTN (PMID: 25589632). Truncating variants in this region are significantly overrepresented in patients affected with dilated cardiomyopathy (PMID: 25589632). Truncating variants in this region have also been reported in individuals affected with autosomal recessive centronuclear myopathy (PMID: 23975875). In summary, the currently available evidence indicates that the variant is pathogenic, but additional data are needed to prove that conclusively. Therefore, this variant has been classified as Likely Pathogenic. This variant has not been reported in the literature in individuals affected with TTN-related conditions. This variant results in the deletion of exons 352-354 and part of exon 355 (c.98495_99486del) of the TTN gene. It is expected to disrupt RNA splicing and likely results in a truncated or disrupted TTN protein.

Literature cited by the submitters: PubMed 25589632; PubMed 23975875.